The following is an entry in ClinVar:

ClinVar aggregate classification (germline): Uncertain significance (1 of 4 stars; one submission).

Conditions:
Cardiovascular phenotype. Identifiers: MedGen CN230736.

Submission:

Ambry Genetics
Classification: Uncertain significance for Cardiovascular phenotype. Last evaluated: 2025-01-31. Review status: criteria provided, single submitter. Criteria: Ambry Variant Classification Scheme 2023. Collection method: clinical testing. Allele origin: germline.
Comment: The p.L1624V variant (also known as c.4870C>G), located in coding exon 26 of the APOB gene, results from a C to G substitution at nucleotide position 4870. The leucine at codon 1624 is replaced by valine, an amino acid with highly similar properties. This amino acid position is conserved. In addition, this alteration is predicted to be tolerated by in silico analysis. Based on the available evidence, the clinical significance of this variant remains unclear.

NM_000384.3(APOB):c.4870C>G (p.Leu1624Val)

Gene: APOB (apolipoprotein B; minus strand). Cytogenetic location: 2p24.1.
Variant type: single nucleotide variant.
Coding change: c.4870C>G on transcript NM_000384.3 (MANE Select); coding-DNA position 4870, C replaced by G.
Protein change: p.Leu1624Val; replaces leucine 1624 with valine.
Molecular consequence: missense variant.
Genome position (GRCh38, 1-based): chr2:21,011,998, G>C on the plus strand (C>G on the coding strand, the complement: APOB is on the minus strand). VCF-style: chr2-21011998-G-C. GRCh37 (hg19) VCF-style: chr2-21234870-G-C.
Other names: short protein forms L1624V.
Identifiers: ClinVar variation 3885198 (VCV003885198.1).
Genomic context (GRCh38, chr2:21,011,998, plus strand): 5'-TCGCCTTGTGAGCACCACTATTAATTTTGTCAGTGCCTAAGATGTCAGCATTTAACTCAA[G>C]ACCATGGGAATTTAGTGATCCAGAAAGCAGGCTGAAGAACCTCAATGACTCGTAATCAGC-3'
Protein context (NP_000375.3, residues 1614-1634): LLSGSLNSHG[Leu1624Val]ELNADILGTD